The following is an entry in ClinVar:

NM_001365536.1(SCN9A):c.3089T>C (p.Leu1030Pro)

Genes: SCN1A-AS1 (SCN1A and SCN9A antisense RNA 1; plus strand), SCN9A (sodium voltage-gated channel alpha subunit 9; minus strand). Cytogenetic location: 2q24.3.
Variant type: single nucleotide variant.
Coding change: c.3089T>C on transcript NM_001365536.1 (MANE Select); coding-DNA position 3089, T replaced by C.
Protein change: p.Leu1030Pro; replaces leucine 1030 with proline.
Molecular consequence: missense variant.
Genome position (GRCh38, 1-based): chr2:166,272,661, A>G on the plus strand (T>C on the coding strand, the complement: SCN9A is on the minus strand). VCF-style: chr2-166272661-A-G. GRCh37 (hg19) VCF-style: chr2-167129171-A-G.
Other names: c.3056T>C, p.Leu1019Pro (NM_002977.4); short protein forms L1019P, L1030P.
Identifiers: ClinVar variation 582485 (VCV000582485.14), dbSNP rs200958860, ClinGen allele CA1944138.

ClinVar aggregate classification (germline): Conflicting classifications of pathogenicity. Review status: criteria provided, conflicting classifications (1 of 4 stars). 3 submissions from 3 submitters: Uncertain significance (1); Likely benign (2). Last evaluated 2024-05-28.

Conditions:
Generalized epilepsy with febrile seizures plus, type 7 (GEFSP7). Also called: GEFS+, TYPE 7. Identifiers: Orphanet 36387, MedGen C2751778, MONDO:0013470, OMIM 613863.
Neuropathy, hereditary sensory and autonomic, type 2A (HSAN2A). Also called: HSAN IIA; MORVAN DISEASE; NEUROPATHY, CONGENITAL SENSORY; NEUROPATHY, HEREDITARY SENSORY RADICULAR, AUTOSOMAL RECESSIVE; NEUROPATHY, HEREDITARY SENSORY, TYPE IIA; NEUROPATHY, PROGRESSIVE SENSORY, OF CHILDREN. Identifiers: Orphanet 970, MedGen C2752089, MONDO:0024309, OMIM 201300.
Inborn genetic diseases. Identifiers: MedGen C0950123, MeSH D030342.

Allele frequency attached by ClinVar (database versions not stated): TOPMed below 0.00001; gnomAD exomes 0.00003 and 0.00005; ExAC 0.00008.
gnomAD v4.1: 37 of 1,612,526 alleles (0.0023%); highest among the groups gnomAD compares: South Asian, 0.04%; no homozygotes.

Submissions (3):

Labcorp Genetics (formerly Invitae), Labcorp
Classification: Likely benign for Neuropathy, hereditary sensory and autonomic, type 2A; Generalized epilepsy with febrile seizures plus, type 7. Last evaluated: 2024-05-28. Review status: criteria provided, single submitter. Criteria: Invitae Variant Classification Sherloc (09022015). Collection method: clinical testing. Allele origin: germline.

Ambry Genetics
Classification: Uncertain significance for Inborn genetic diseases. Last evaluated: 2021-02-05. Review status: criteria provided, single submitter. Criteria: Ambry Variant Classification Scheme 2023. Collection method: clinical testing. Allele origin: germline.
Comment: The p.L1019P variant (also known as c.3056T>C), located in coding exon 16 of the SCN9A gene, results from a T to C substitution at nucleotide position 3056. The leucine at codon 1019 is replaced by proline, an amino acid with similar properties. This amino acid position is not well conserved in available vertebrate species, and proline is the reference amino acid in other vertebrate species. In addition, this alteration is predicted to be tolerated by in silico analysis. Based on the supporting evidence, this variant is unlikely to be causative of primary erythermalgia/small fiber neuropathy and paroxysmal extreme pain disorder (PEPD); however, its contribution to the development of congenital insensitivity to pain (CIP) and hereditary sensory autonomic neuropathy type II (HSAN2D) is uncertain.

Breakthrough Genomics
Classification: Likely benign. Review status: criteria provided, single submitter. Criteria: ACMG Guidelines, 2015. Collection method: not provided. Allele origin: germline. Inheritance: Autosomal recessive inheritance. Affected: yes.